The following is an entry in ClinVar:

NM_020831.6(MRTFA):c.848C>T (p.Pro283Leu)

Gene: MRTFA (myocardin related transcription factor A; minus strand). Cytogenetic location: 22q13.1.
Variant type: single nucleotide variant.
Coding change: c.848C>T on transcript NM_020831.6 (MANE Select); coding-DNA position 848, C replaced by T.
Protein change: p.Pro283Leu; replaces proline 283 with leucine.
Molecular consequence: missense variant. On other transcripts: intron variant (1).
Genome position (GRCh38, 1-based): chr22:40,423,615, G>A on the plus strand (C>T on the coding strand, the complement: MRTFA is on the minus strand). VCF-style: chr22-40423615-G-A. GRCh37 (hg19) VCF-style: chr22-40819619-G-A.
Other names: c.548C>T, p.Pro183Leu (NM_001282660.2); c.848C>T, p.Pro283Leu (NM_001282662.3); c.653C>T, p.Pro218Leu (NM_001318139.2); c.777+591C>T (NM_001282661.3); short protein forms P183L, P218L, P283L.
Identifiers: ClinVar variation 4110840 (VCV004110840.3).

ClinVar aggregate classification (germline): Uncertain significance. Review status: criteria provided, multiple submitters, no conflicts (2 of 4 stars). 3 submissions from 3 submitters: Uncertain significance (3). Last evaluated 2025-08-12.

Submissions (3):

Ambry Genetics
Classification: Uncertain significance. Last evaluated: 2025-08-12. Review status: criteria provided, single submitter. Criteria: Ambry Variant Classification Scheme 2023. Collection method: clinical testing. Allele origin: germline.

Labcorp Genetics (formerly Invitae), Labcorp
Classification: Uncertain significance. Last evaluated: 2025-07-06. Review status: criteria provided, single submitter. Criteria: Invitae Variant Classification Sherloc (09022015). Collection method: clinical testing. Allele origin: germline.
Comment: This sequence change replaces proline, which is neutral and non-polar, with leucine, which is neutral and non-polar, at codon 183 of the MKL1 protein (p.Pro183Leu). This variant is not present in population databases (gnomAD no frequency). This variant has not been reported in the literature in individuals affected with MKL1-related conditions. An algorithm developed to predict the effect of missense changes on protein structure and function (PolyPhen-2) suggests that this variant is likely to be tolerated. In summary, the available evidence is currently insufficient to determine the role of this variant in disease. Therefore, it has been classified as a Variant of Uncertain Significance.

Blueprint Genetics
Classification: Uncertain significance. Last evaluated: 2023-10-30. Review status: criteria provided, single submitter. Criteria: ACMG Guidelines, 2015. Collection method: clinical testing. Allele origin: germline.